The following is an entry in ClinVar:

NM_000326.5(RLBP1):c.250del (p.Val84fs)

Gene: RLBP1 (retinaldehyde binding protein 1; minus strand). Cytogenetic location: 15q26.1.
Variant type: Deletion.
Coding change: c.250del on transcript NM_000326.5 (MANE Select); coding-DNA position 250, one base deleted (G; older notation c.250delG).
Protein change: p.Val84fs; shifts the reading frame from valine 84.
Molecular consequence: frameshift variant.
Genome position (GRCh38, 1-based): chr15:89,217,216, C deleted on the plus strand (G on the coding strand, the reverse complement: RLBP1 is on the minus strand). VCF-style (leftmost placement, unchanged base first): chr15-89217215-AC-A. GRCh37 (hg19) VCF-style: chr15-89760446-AC-A.
Other names: c.250del (NM_000326.4); short protein forms V84fs.
Identifiers: ClinVar variation 1400422 (VCV001400422.7), dbSNP rs2150971257, ClinGen allele CA2573130382.

ClinVar aggregate classification (germline): Pathogenic (1 of 4 stars; one submission).

Conditions:
Pigmentary retinal dystrophy. Also called: Fundus albipunctatus. Identifiers: Orphanet 227796, Orphanet 52427, MedGen C0311338, MONDO:0007639, OMIM 136880, HP:0030642.
Bothnia retinal dystrophy. Also called: VASTERBOTTEN DYSTROPHY. Identifiers: Orphanet 85128, MedGen C1843816, MONDO:0011838, OMIM 607475.
Newfoundland cone-rod dystrophy. Identifiers: MedGen C1843815, MONDO:0011839, OMIM 607476.

Submission:

Labcorp Genetics (formerly Invitae), Labcorp
Classification: Pathogenic. Last evaluated: 2021-02-02. Review status: criteria provided, single submitter. Criteria: Invitae Variant Classification Sherloc (09022015). Collection method: clinical testing. Allele origin: germline.
Comment: For these reasons, this variant has been classified as Pathogenic. This variant has not been reported in the literature in individuals with RLBP1-related conditions. This variant is not present in population databases (ExAC no frequency). This sequence change creates a premature translational stop signal (p.Val84Trpfs*35) in the RLBP1 gene. It is expected to result in an absent or disrupted protein product. Loss-of-function variants in RLBP1 are known to be pathogenic (PMID: 2392416, 11301032, 21447491, 25429852).

Literature cited by the submitters: PubMed 2392416 (cited by Labcorp Genetics (formerly Invitae), Labcorp); PubMed 11301032 (cited by Labcorp Genetics (formerly Invitae), Labcorp); PubMed 21447491 (cited by Labcorp Genetics (formerly Invitae), Labcorp); PubMed 25429852 (cited by Labcorp Genetics (formerly Invitae), Labcorp).